The following is an entry in ClinVar:

NM_001868.4(CPA1):c.1151C>T (p.Thr384Ile)

Gene: CPA1 (carboxypeptidase A1; plus strand). Cytogenetic location: 7q32.2.
Variant type: single nucleotide variant.
Coding change: c.1151C>T on transcript NM_001868.4 (MANE Select); coding-DNA position 1151, C replaced by T.
Protein change: p.Thr384Ile; replaces threonine 384 with isoleucine.
Molecular consequence: missense variant.
Genome position (GRCh38, 1-based): chr7:130,387,902, C>T. VCF-style: chr7-130387902-C-T. GRCh37 (hg19) VCF-style: chr7-130027743-C-T.
Other names: short protein forms T384I.
Identifiers: ClinVar variation 1444525 (VCV001444525.12), dbSNP rs782571072, ClinGen allele CA4485072.

ClinVar aggregate classification (germline): Uncertain significance. Review status: criteria provided, multiple submitters, no conflicts (2 of 4 stars). 3 submissions from 3 submitters: Uncertain significance (3). Last evaluated 2025-04-28.

Conditions:
Hereditary pancreatitis (PCTT). Also called: Hereditary chronic pancreatitis; PRSS1-Related Hereditary Pancreatitis. Identifiers: Orphanet 676, MedGen C0238339, MONDO:0008185, OMIM 167800.

Allele frequency attached by ClinVar (database versions not stated): gnomAD 0.00002; TOPMed 0.00003; ExAC 0.00005.
gnomAD v4.1: 70 of 1,614,096 alleles (0.0043%); highest among the groups gnomAD compares: Non-Finnish European, 0.0054%; no homozygotes.

Submissions (3):

Ambry Genetics
Classification: Uncertain significance for Hereditary pancreatitis. Last evaluated: 2025-04-28. Review status: criteria provided, single submitter. Criteria: Ambry Variant Classification Scheme 2023. Collection method: clinical testing. Allele origin: germline.
Comment: The p.T384I variant (also known as c.1151C>T), located in coding exon 10 of the CPA1 gene, results from a C to T substitution at nucleotide position 1151. The threonine at codon 384 is replaced by isoleucine, an amino acid with similar properties. This amino acid position is highly conserved in available vertebrate species. In addition, this alteration is predicted to be tolerated by in silico analysis. Since supporting evidence is limited at this time, the clinical significance of this alteration remains unclear.

Labcorp Genetics (formerly Invitae), Labcorp
Classification: Uncertain significance. Last evaluated: 2024-11-19. Review status: criteria provided, single submitter. Criteria: Invitae Variant Classification Sherloc (09022015). Collection method: clinical testing. Allele origin: germline.
Comment: This sequence change replaces threonine, which is neutral and polar, with isoleucine, which is neutral and non-polar, at codon 384 of the CPA1 protein (p.Thr384Ile). This variant is present in population databases (rs782571072, gnomAD 0.008%). This variant has not been reported in the literature in individuals affected with CPA1-related conditions. ClinVar contains an entry for this variant (Variation ID: 1444525). An algorithm developed to predict the effect of missense changes on protein structure and function (PolyPhen-2) suggests that this variant is likely to be tolerated. In summary, the available evidence is currently insufficient to determine the role of this variant in disease. Therefore, it has been classified as a Variant of Uncertain Significance.

Blueprint Genetics
Classification: Uncertain significance. Last evaluated: 2021-10-15. Review status: criteria provided, single submitter. Criteria: ACMG Guidelines, 2015. Collection method: clinical testing. Allele origin: germline.